The following is an entry in ClinVar:

ClinVar aggregate classification (germline): Uncertain significance (1 of 4 stars; one submission).

Conditions:
Cystic fibrosis (CF). Also called: MUCOVISCIDOSIS. Identifiers: Orphanet 586, MedGen C0010674, MONDO:0009061, OMIM 219700. Disease mechanism: loss of function.

Allele frequency attached by ClinVar (database versions not stated): TOPMed below 0.00001.

Submission:

Ambry Genetics
Classification: Uncertain significance for Cystic fibrosis. Last evaluated: 2025-08-07. Review status: criteria provided, single submitter. Criteria: Ambry Variant Classification Scheme 2023. Collection method: clinical testing. Allele origin: germline.
Comment: The p.I860T variant (also known as c.2579T>C), located in coding exon 15 of the CFTR gene, results from a T to C substitution at nucleotide position 2579. The isoleucine at codon 860 is replaced by threonine, an amino acid with similar properties. This amino acid position is conserved. In addition, the in silico prediction for this alteration is inconclusive. Based on the available evidence, the clinical significance of this variant remains unclear.

NM_000492.4(CFTR):c.2579T>C (p.Ile860Thr)

Gene: CFTR (CF transmembrane conductance regulator; plus strand). Cytogenetic location: 7q31.2.
Variant type: single nucleotide variant.
Coding change: c.2579T>C on transcript NM_000492.4 (MANE Select); coding-DNA position 2579, T replaced by C.
Protein change: p.Ile860Thr; replaces isoleucine 860 with threonine.
Molecular consequence: missense variant.
Genome position (GRCh38, 1-based): chr7:117,595,018, T>C. VCF-style: chr7-117595018-T-C. GRCh37 (hg19) VCF-style: chr7-117235072-T-C.
Other names: short protein forms I860T.
Identifiers: ClinVar variation 1793343 (VCV001793343.4), dbSNP rs1792099253, ClinGen allele CA368983998.